The following is an entry in ClinVar:

NM_005612.5(REST):c.2348C>T (p.Pro783Leu)

Gene: REST (RE1 silencing transcription factor; plus strand). Cytogenetic location: 4q12.
Variant type: single nucleotide variant.
Coding change: c.2348C>T on transcript NM_005612.5 (MANE Select); coding-DNA position 2348, C replaced by T.
Protein change: p.Pro783Leu; replaces proline 783 with leucine.
Molecular consequence: missense variant.
Genome position (GRCh38, 1-based): chr4:56,931,206, C>T. VCF-style: chr4-56931206-C-T. GRCh37 (hg19) VCF-style: chr4-57797372-C-T.
Other names: c.2348C>T, p.Pro783Leu (NM_001193508.2, NM_001363453.3); short protein forms P783L.
Identifiers: ClinVar variation 1444997 (VCV001444997.9), dbSNP rs370561076, ClinGen allele CA97637018.

ClinVar aggregate classification (germline): Uncertain significance. Review status: criteria provided, multiple submitters, no conflicts (2 of 4 stars). 2 submissions from 2 submitters: Uncertain significance (2). Last evaluated 2025-04-25.

Conditions:
Inborn genetic diseases. Identifiers: MedGen C0950123, MeSH D030342.

Allele frequency attached by ClinVar (database versions not stated): gnomAD exomes below 0.00001 and 0.00001.
gnomAD v4.1: 6 of 1,614,030 alleles (0.00037%); highest among the groups gnomAD compares: East Asian, 0.0022%; no homozygotes.

Submissions (2):

Ambry Genetics
Classification: Uncertain significance for Inborn genetic diseases. Last evaluated: 2025-04-25. Review status: criteria provided, single submitter. Criteria: Ambry Variant Classification Scheme 2023. Collection method: clinical testing. Allele origin: germline.

Labcorp Genetics (formerly Invitae), Labcorp
Classification: Uncertain significance. Last evaluated: 2024-09-08. Review status: criteria provided, single submitter. Criteria: Invitae Variant Classification Sherloc (09022015). Collection method: clinical testing. Allele origin: germline.
Comment: This sequence change replaces proline, which is neutral and non-polar, with leucine, which is neutral and non-polar, at codon 783 of the REST protein (p.Pro783Leu). This variant is present in population databases (rs370561076, gnomAD 0.003%). This variant has not been reported in the literature in individuals affected with REST-related conditions. ClinVar contains an entry for this variant (Variation ID: 1444997). An algorithm developed to predict the effect of missense changes on protein structure and function outputs the following: PolyPhen-2: "Benign". The leucine amino acid residue is found in multiple mammalian species, which suggests that this missense change does not adversely affect protein function. In summary, the available evidence is currently insufficient to determine the role of this variant in disease. Therefore, it has been classified as a Variant of Uncertain Significance.